The following is an entry in ClinVar:

ClinVar aggregate classification (germline): Benign/Likely benign. Review status: criteria provided, multiple submitters, no conflicts (2 of 4 stars). 4 submissions from 4 submitters: Benign (1); Likely benign (3). Last evaluated 2025-06-10.

Conditions:
Chuvash polycythemia. Also called: POLYCYTHEMIA, VHL-DEPENDENT. Identifiers: Orphanet 238557, MedGen C1837915, MONDO:0009892, OMIM 263400.
Von Hippel-Lindau syndrome (VHLS). Also called: von Hippel–Lindau syndrome; Von Hippel-Lindau; VHL syndrome. Identifiers: Orphanet 892, MedGen C0019562, MONDO:0008667, OMIM 193300. Disease mechanism: loss of function.
Hereditary cancer-predisposing syndrome. Also called: Neoplastic Syndromes, Hereditary; Hereditary Cancer Syndrome; Tumor predisposition; Hereditary neoplastic syndrome. Identifiers: Orphanet 140162, MedGen C0027672, MeSH D009386, MONDO:0015356.

gnomAD v4.1: 2 of 1,600,548 alleles (0.00012%); highest among the groups gnomAD compares: Non-Finnish European, 0.00017%; no homozygotes.

Submissions (4):

Myriad Genetics, Inc.
Classification: Benign for Von Hippel-Lindau syndrome. Last evaluated: 2025-06-10. Review status: criteria provided, single submitter. Criteria: Myriad Autosomal Dominant, Autosomal Recessive and X-Linked Classification Criteria (2023). Collection method: clinical testing. Allele origin: unknown.
Comment: This variant is considered benign. This variant is a silent/synonymous amino acid change and it is not expected to impact splicing.

Ambry Genetics
Classification: Likely benign for Hereditary cancer-predisposing syndrome. Last evaluated: 2022-05-26. Review status: criteria provided, single submitter. Criteria: Ambry Variant Classification Scheme 2023. Collection method: clinical testing. Allele origin: germline.

Labcorp Genetics (formerly Invitae), Labcorp
Classification: Likely benign for Von Hippel-Lindau syndrome; Chuvash polycythemia. Last evaluated: 2022-04-08. Review status: criteria provided, single submitter. Criteria: Invitae Variant Classification Sherloc (09022015). Collection method: clinical testing. Allele origin: germline.

Sema4
Classification: Likely benign for Hereditary cancer-predisposing syndrome. Last evaluated: 2021-07-09. Review status: criteria provided, single submitter. Criteria: Sema4 Curation Guidelines. Collection method: curation. Allele origin: germline.

Literature cited by the submitters: PubMed 9829911 (cited by Sema4); PubMed 27527340 (cited by Sema4); PubMed 18067796 (cited by Sema4); PubMed 30548481 (cited by Sema4); PubMed 15709172 (cited by Sema4).

NM_000551.4(VHL):c.285G>A (p.Pro95=)

Gene: VHL (von Hippel-Lindau tumor suppressor; plus strand). Cytogenetic location: 3p25.3.
Variant type: single nucleotide variant.
Coding change: c.285G>A on transcript NM_000551.4 (MANE Select); coding-DNA position 285, G replaced by A.
Protein change: p.Pro95=; no amino-acid change (proline 95 retained).
Molecular consequence: synonymous variant. On other transcripts: non-coding transcript variant (1).
Genome position (GRCh38, 1-based): chr3:10,142,132, G>A. VCF-style: chr3-10142132-G-A. GRCh37 (hg19) VCF-style: chr3-10183816-G-A.
Other names: c.285G>A, p.Pro95= (NM_001354723.2, NM_198156.3).
Identifiers: ClinVar variation 1692518 (VCV001692518.9), dbSNP rs975432073, ClinGen allele CA432420507.
Genomic context (GRCh38, chr3:10,142,132, plus strand): 5'-CTTCTGCAATCGCAGTCCGCGCGTCGTGCTGCCCGTATGGCTCAACTTCGACGGCGAGCC[G>A]CAGCCCTACCCAACGCTGCCGCCTGGCACGGGCCGCCGCATCCACAGCTACCGAGGTACG-3'
Protein context (NP_000542.1, residues 85-105): LPVWLNFDGE[Pro95=]QPYPTLPPGT